The following is an entry in ClinVar:

NM_003060.4(SLC22A5):c.1170C>G (p.Ala390=)

Gene: SLC22A5 (solute carrier family 22 member 5; plus strand). Cytogenetic location: 5q31.1.
Variant type: single nucleotide variant.
Coding change: c.1170C>G on transcript NM_003060.4 (MANE Select); coding-DNA position 1170, C replaced by G.
Protein change: p.Ala390=; no amino-acid change (alanine 390 retained).
Molecular consequence: synonymous variant.
Genome position (GRCh38, 1-based): chr5:132,390,807, C>G. VCF-style: chr5-132390807-C-G. GRCh37 (hg19) VCF-style: chr5-131726499-C-G.
Other names: c.1242C>G, p.Ala414= (NM_001308122.2).
Identifiers: ClinVar variation 514769 (VCV000514769.5), dbSNP rs774368158, ClinGen allele CA3404094.
Genomic context (GRCh38, chr5:132,390,807, plus strand): 5'-GGACATCTTTGTGAACTGCTTCCTTTCAGCGATGGTTGAAGTCCCAGCATATGTGTTGGC[C>G]TGGCTGCTGCTGCAATATTTGCCCCGGCGCTATTCCATGGCCACTGCCCTCTTCCTGGGT-3'
Protein context (NP_003051.1, residues 380-400): AMVEVPAYVL[Ala390=]WLLLQYLPRR

ClinVar aggregate classification (germline): Likely benign. Review status: criteria provided, multiple submitters, no conflicts (2 of 4 stars). 2 submissions from 2 submitters: Likely benign (2). Last evaluated 2025-01-28.

Conditions:
Renal carnitine transport defect (CDSP). Also called: Systemic primary carnitine deficiency; Carnitine Deficiency, Systemic; Primary carnitine deficiency; Systemic primary carnitine deficiency disease; CARNITINE DEFICIENCY, SYSTEMIC, DUE TO DEFECT IN RENAL REABSORPTION OF CARNITINE; CARNITINE TRANSPORTER, PLASMA-MEMBRANE, DEFICIENCY OF. Identifiers: Orphanet 158, MedGen C0342788, MONDO:0008919, OMIM 212140.

Allele frequency attached by ClinVar (database versions not stated): gnomAD exomes below 0.00001; TOPMed below 0.00001; ExAC 0.00001.

Submissions (2):

Labcorp Genetics (formerly Invitae), Labcorp
Classification: Likely benign for Renal carnitine transport defect. Last evaluated: 2025-01-28. Review status: criteria provided, single submitter. Criteria: Invitae Variant Classification Sherloc (09022015). Collection method: clinical testing. Allele origin: germline.

GeneDx
Classification: Likely benign. Last evaluated: 2018-01-11. Review status: criteria provided, single submitter. Criteria: GeneDx Variant Classification (06012015). Collection method: clinical testing. Allele origin: germline. Affected: yes.
Comment: This variant is considered likely benign or benign based on one or more of the following criteria: it is a conservative change, it occurs at a poorly conserved position in the protein, it is predicted to be benign by multiple in silico algorithms, and/or has population frequency not consistent with disease.